The following is an entry in ClinVar:

ClinVar aggregate classification (germline): Uncertain significance (1 of 4 stars; one submission).

Submission:

Ambry Genetics
Classification: Uncertain significance. Last evaluated: 2022-06-28. Review status: criteria provided, single submitter. Criteria: Ambry Variant Classification Scheme 2023. Collection method: clinical testing. Allele origin: germline.
Comment: The p.T842A variant (also known as c.2524A>G), located in coding exon 13 of the PALLD gene, results from an A to G substitution at nucleotide position 2524. The threonine at codon 842 is replaced by alanine, an amino acid with similar properties. This amino acid position is conserved. In addition, this alteration is predicted to be tolerated by in silico analysis. Since supporting evidence is limited at this time, the clinical significance of this alteration remains unclear.

NM_001166108.2(PALLD):c.2575A>G (p.Thr859Ala)

Genes: CBR4 (carbonyl reductase 4; minus strand), PALLD (palladin, cytoskeletal associated protein; plus strand). Cytogenetic location: 4q32.3.
Variant type: single nucleotide variant.
Coding change: c.2575A>G on transcript NM_001166108.2 (MANE Select); coding-DNA position 2575, A replaced by G.
Protein change: p.Thr859Ala; replaces threonine 859 with alanine.
Molecular consequence: missense variant.
Genome position (GRCh38, 1-based): chr4:168,903,859, A>G. VCF-style: chr4-168903859-A-G. GRCh37 (hg19) VCF-style: chr4-169825010-A-G.
Other names: c.1378A>G, p.Thr460Ala (NM_001166109.2); c.1063A>G, p.Thr355Ala (NM_001166110.2); c.403A>G, p.Thr135Ala (NM_001367567.1, NM_001367569.1); c.454A>G, p.Thr152Ala (NM_001367568.1, NM_001367570.1); c.2524A>G, p.Thr842Ala (NM_016081.4); short protein forms T842A, T152A, T460A, T135A, T355A, T859A.
Identifiers: ClinVar variation 1792574 (VCV001792574.2), dbSNP rs2533840082, ClinGen allele CA358799457.
Genomic context (GRCh38, chr4:168,903,859, plus strand): 5'-GATCACTACACCATTCAAAGAGATCTCGATGGGACCTGCTCCCTCCATACCACAGCCTCC[A>G]CCCTAGATGATGATGGGAATTATACAATTATGGCTGCAAACCCTCAGGTAAAGAAGGGTA-3'
Protein context (NP_001159580.1, residues 849-869): GTCSLHTTAS[Thr859Ala]LDDDGNYTIM